The following is an entry in ClinVar:

NM_001378454.1(ALMS1):c.6847C>T (p.Leu2283Phe)

Gene: ALMS1 (ALMS1 centrosome and basal body associated protein; plus strand). Cytogenetic location: 2p13.1.
Variant type: single nucleotide variant.
Coding change: c.6847C>T on transcript NM_001378454.1 (MANE Select); coding-DNA position 6847, C replaced by T.
Protein change: p.Leu2283Phe; replaces leucine 2283 with phenylalanine.
Molecular consequence: missense variant.
Genome position (GRCh38, 1-based): chr2:73,453,374, C>T. VCF-style: chr2-73453374-C-T. GRCh37 (hg19) VCF-style: chr2-73680501-C-T.
Other names: c.6850C>T, p.Leu2284Phe (NM_015120.4); short protein forms L2284F, L2283F.
Identifiers: ClinVar variation 337022 (VCV000337022.6), dbSNP rs886056309, ClinGen allele CA10614377.

ClinVar aggregate classification (germline): Uncertain significance (0 of 4 stars; one submission).

Conditions:
ALMS1-related disorder. Also called: ALMS1-related condition.

Submission:

PreventionGenetics, part of Exact Sciences
Classification: Uncertain significance for ALMS1-related condition. Last evaluated: 2024-08-12. Review status: no assertion criteria provided. Collection method: clinical testing. Allele origin: germline.
Comment: The ALMS1 c.6850C>T variant is predicted to result in the amino acid substitution p.Arg2284Cys. To our knowledge, this variant has not been reported in the literature. This variant is reported in 0.0056% of alleles in individuals of East Asian descent in gnomAD. At this time, the clinical significance of this variant is uncertain due to the absence of conclusive functional and genetic evidence.